The following is an entry in ClinVar:

ClinVar aggregate classification (germline): Uncertain significance. Review status: criteria provided, multiple submitters, no conflicts (2 of 4 stars). 4 submissions from 4 submitters: Uncertain significance (4). Last evaluated 2024-12-09.

Allele frequency attached by ClinVar (database versions not stated): gnomAD exomes below 0.00001; gnomAD 0.00001; TOPMed 0.00001.
gnomAD v4.1: 9 of 1,613,746 alleles (0.00056%); highest among the groups gnomAD compares: Non-Finnish European, 0.00076%; no homozygotes.

Submissions (4):

GeneDx
Classification: Uncertain significance. Last evaluated: 2024-12-09. Review status: criteria provided, single submitter. Criteria: GeneDx Variant Classification Process June 2021. Collection method: clinical testing. Allele origin: germline. Affected: yes.
Comment: Reported in association with retinitis pigmentosa in published literature (PMID: 31054281); Not observed at significant frequency in large population cohorts (gnomAD); In silico analysis supports that this missense variant has a deleterious effect on protein structure/function; This variant is associated with the following publications: (PMID: 31054281)

Women's Health and Genetics/Laboratory Corporation of America, LabCorp
Classification: Uncertain significance. Last evaluated: 2024-06-21. Review status: criteria provided, single submitter. Criteria: LabCorp Variant Classification Summary - May 2015. Collection method: clinical testing. Allele origin: germline.
Comment: Variant summary: ADGRV1 c.9329G>A (p.Gly3110Glu) results in a non-conservative amino acid change located in the Na-Ca exchanger/integrin-beta4 (IPR003644) of the encoded protein sequence. Four of five in-silico tools predict a damaging effect of the variant on protein function. The variant allele was found at a frequency of 4e-06 in 248924 control chromosomes. The available data on variant occurrences in the general population are insufficient to allow any conclusion about variant significance. c.9329G>A has been reported in the literature in and individual suspected with Retinitis Pigmentosa (Gao_2019). These report(s) do not provide unequivocal conclusions about association of the variant with ADGRV1-Related Disorders. To our knowledge, no experimental evidence demonstrating an impact on protein function has been reported. The following publication have been ascertained in the context of this evaluation (PMID: 31054281). ClinVar contains an entry for this variant (Variation ID: 290407). Based on the evidence outlined above, the variant was classified as uncertain significance.

Labcorp Genetics (formerly Invitae), Labcorp
Classification: Uncertain significance. Last evaluated: 2022-01-13. Review status: criteria provided, single submitter. Criteria: Invitae Variant Classification Sherloc (09022015). Collection method: clinical testing. Allele origin: germline.
Comment: This sequence change replaces glycine, which is neutral and non-polar, with glutamic acid, which is acidic and polar, at codon 3110 of the ADGRV1 protein (p.Gly3110Glu). This variant is not present in population databases (gnomAD no frequency). This missense change has been observed in individual(s) with clinical features of retinitis pigmentosa (PMID: 31054281). ClinVar contains an entry for this variant (Variation ID: 290407). Algorithms developed to predict the effect of missense changes on protein structure and function are either unavailable or do not agree on the potential impact of this missense change (SIFT: "Deleterious"; PolyPhen-2: "Probably Damaging"; Align-GVGD: "Class C0"). In summary, the available evidence is currently insufficient to determine the role of this variant in disease. Therefore, it has been classified as a Variant of Uncertain Significance.

Eurofins Ntd Llc (ga)
Classification: Uncertain significance. Last evaluated: 2016-09-13. Review status: criteria provided, single submitter. Criteria: EGL Classification Definitions 2015. Collection method: clinical testing. Allele origin: germline. Observed: 2 variant alleles, 2 heterozygotes.

Literature cited by the submitters: PubMed 31054281 (cited by Women's Health and Genetics/Laboratory Corporation of America, LabCorp and Labcorp Genetics (formerly Invitae), Labcorp).

NM_032119.4(ADGRV1):c.9329G>A (p.Gly3110Glu)

Gene: ADGRV1 (adhesion G protein-coupled receptor V1; plus strand). Cytogenetic location: 5q14.3.
Variant type: single nucleotide variant.
Coding change: c.9329G>A on transcript NM_032119.4 (MANE Select); coding-DNA position 9329, G replaced by A.
Protein change: p.Gly3110Glu; replaces glycine 3110 with glutamic acid.
Molecular consequence: missense variant. On other transcripts: non-coding transcript variant (1).
Genome position (GRCh38, 1-based): chr5:90,716,611, G>A. VCF-style: chr5-90716611-G-A. GRCh37 (hg19) VCF-style: chr5-90012428-G-A.
Other names: c.9329G>A (NM_032119.3); short protein forms G3110E.
Identifiers: ClinVar variation 290407 (VCV000290407.12), dbSNP rs886044443, ClinGen allele CA10606765.
Genomic context (GRCh38, chr5:90,716,611, plus strand): 5'-CAGCTCTCTACGTCCAGGAGAGTGTTGCAGTATTGTACATTGTTCGGGAACCTGCACAAG[G>A]ATTGTTTGGAACAGTGACAGTTCAGTTCATTGTGACAGAAGTGAATTCCTCAAATGAATC-3'
Protein context (NP_115495.3, residues 3100-3120): VLYIVREPAQ[Gly3110Glu]LFGTVTVQFI